The following is an entry in ClinVar:

NM_015267.4(CUX2):c.2846G>A (p.Arg949Gln)

Gene: CUX2 (cut like homeobox 2; plus strand). Cytogenetic location: 12q24.12.
Variant type: single nucleotide variant.
Coding change: c.2846G>A on transcript NM_015267.4 (MANE Select); coding-DNA position 2846, G replaced by A.
Protein change: p.Arg949Gln; replaces arginine 949 with glutamine.
Molecular consequence: missense variant.
Genome position (GRCh38, 1-based): chr12:111,322,500, G>A. VCF-style: chr12-111322500-G-A. GRCh37 (hg19) VCF-style: chr12-111760304-G-A.
Other names: c.2660G>A, p.Arg887Gln (NM_001370598.1); short protein forms R887Q, R949Q.
Identifiers: ClinVar variation 2312154 (VCV002312154.2), dbSNP rs1245466249, ClinGen allele CA386714480.
Genomic context (GRCh38, chr12:111,322,500, plus strand): 5'-GCAGCGTGAGCGACATGCTGTCCCGGCCGAAGCCATGGAGCAAGCTGACGCAGAAGGGGC[G>A]GGAGCCCTTCATCCGCATGCAGCTGTGGCTCTCTGACCAGCTCGGCCAGGCAGTGGGCCA-3'
Protein context (NP_056082.2, residues 939-959): KPWSKLTQKG[Arg949Gln]EPFIRMQLWL

ClinVar aggregate classification (germline): Uncertain significance (1 of 4 stars; one submission).

Conditions:
Inborn genetic diseases. Identifiers: MedGen C0950123, MeSH D030342.

Allele frequency attached by ClinVar (database versions not stated): TOPMed below 0.00001; gnomAD 0.00001.
gnomAD v4.1: 1 of 1,603,824 alleles (0.000062%); highest among the groups gnomAD compares: Non-Finnish European, 0.000085%; no homozygotes.

Submission:

Ambry Genetics
Classification: Uncertain significance for Inborn genetic diseases. Last evaluated: 2024-03-04. Review status: criteria provided, single submitter. Criteria: Ambry Variant Classification Scheme 2023. Collection method: clinical testing. Allele origin: germline.
Comment: The c.2846G>A (p.R949Q) alteration is located in exon 18 (coding exon 18) of the CUX2 gene. This alteration results from a G to A substitution at nucleotide position 2846, causing the arginine (R) at amino acid position 949 to be replaced by a glutamine (Q). This variant was not reported in population-based cohorts in the Genome Aggregation Database (gnomAD). This amino acid position is highly conserved in available vertebrate species. The in silico prediction for this alteration is inconclusive. Based on insufficient or conflicting evidence, the clinical significance of this alteration remains unclear.